The following is an entry in ClinVar:

ClinVar aggregate classification (germline): Pathogenic/Likely pathogenic. Review status: criteria provided, multiple submitters, no conflicts (2 of 4 stars). 2 submissions from 2 submitters: Pathogenic (1); Likely pathogenic (1). Last evaluated 2021-12-16.

Conditions:
Joubert syndrome. Also called: Familial aplasia of the vermis; CEREBELLOPARENCHYMAL DISORDER IV; JOUBERT-BOLTSHAUSER SYNDROME. Identifiers: Orphanet 475, MedGen C5979921, MONDO:0018772.
Meckel-Gruber syndrome. Also called: Dysencephalia splachnocystica; DYSENCEPHALIA SPLANCHNOCYSTICA; GRUBER SYNDROME. Identifiers: Orphanet 564, MedGen C0265215, MONDO:0018921.
Nephronophthisis. Also called: Juvenile Nephronophthisis. Identifiers: Orphanet 655, MedGen C0687120, MONDO:0019005, HP:0000090.
Leber congenital amaurosis 10 (LCA10). Identifiers: Orphanet 65, MedGen C1857821, MONDO:0012723, OMIM 611755.
Meckel syndrome, type 4 (MKS4). Also called: MECKEL-GRUBER SYNDROME, TYPE 4. Identifiers: Orphanet 564, MedGen C1970161, MONDO:0012626, OMIM 611134.
Joubert syndrome 5 (JBTS5). Identifiers: Orphanet 2318, MedGen C1857780, MONDO:0012432, OMIM 610188.
Bardet-Biedl syndrome 14 (BBS14). Identifiers: Orphanet 110, MedGen C2673874, MONDO:0014442, OMIM 615991.
Senior-Loken syndrome 6 (SLSN6). Identifiers: Orphanet 3156, MedGen C1857779, MONDO:0012433, OMIM 610189.

Submissions (2):

Fulgent Genetics
Classification: Likely pathogenic for Joubert syndrome 5; Senior-Loken syndrome 6; Meckel syndrome, type 4; Leber congenital amaurosis 10; Bardet-Biedl syndrome 14. Last evaluated: 2021-12-16. Review status: criteria provided, single submitter. Criteria: ACMG Guidelines, 2015. Collection method: clinical testing. Allele origin: unknown.

Labcorp Genetics (formerly Invitae), Labcorp
Classification: Pathogenic for Joubert syndrome; Meckel-Gruber syndrome; Nephronophthisis. Last evaluated: 2021-03-26. Review status: criteria provided, single submitter. Criteria: Invitae Variant Classification Sherloc (09022015). Collection method: clinical testing. Allele origin: germline.
Comment: For these reasons, this variant has been classified as Pathogenic. Loss-of-function variants in CEP290 are known to be pathogenic (PMID: 16909394, 17345604, 20690115, 25377065, 28559085). This variant has not been reported in the literature in individuals with CEP290-related conditions. This variant is not present in population databases (ExAC no frequency). This sequence change creates a premature translational stop signal (p.Leu195Ilefs*8) in the CEP290 gene. It is expected to result in an absent or disrupted protein product.

Literature cited by the submitters: PubMed 16909394 (cited by Labcorp Genetics (formerly Invitae), Labcorp); PubMed 17345604 (cited by Labcorp Genetics (formerly Invitae), Labcorp); PubMed 20690115 (cited by Labcorp Genetics (formerly Invitae), Labcorp); PubMed 25377065 (cited by Labcorp Genetics (formerly Invitae), Labcorp); PubMed 28559085 (cited by Labcorp Genetics (formerly Invitae), Labcorp).

NM_025114.4(CEP290):c.583_584del (p.Leu195fs)

Gene: CEP290 (centrosomal protein 290; minus strand). Cytogenetic location: 12q21.32.
Variant type: Deletion.
Coding change: c.583_584del on transcript NM_025114.4 (MANE Select); coding-DNA positions 583 to 584, 2 bases deleted (TT; older notation c.583_584delTT).
Protein change: p.Leu195fs; shifts the reading frame from leucine 195.
Molecular consequence: frameshift variant.
Genome position (GRCh38, 1-based): chr12:88,130,353-88,130,354, AA deleted on the plus strand (TT on the coding strand, the reverse complement: CEP290 is on the minus strand); deleting any 2 consecutive bases within chr12:88,130,353-88,130,356 gives the same sequence; the c. name uses the placement nearest the transcript's 3' end. VCF-style (leftmost placement, unchanged base first): chr12-88130352-TAA-T. GRCh37 (hg19) VCF-style: chr12-88524129-TAA-T.
Other names: short protein forms L195fs.
Identifiers: ClinVar variation 1075280 (VCV001075280.10), dbSNP rs1277316340, ClinGen allele CA2499221905.